The following is an entry in ClinVar:

NM_001018113.3(FANCB):c.2249G>T (p.Gly750Val)

Gene: FANCB (FA complementation group B; minus strand). Cytogenetic location: Xp22.2.
Variant type: single nucleotide variant.
Coding change: c.2249G>T on transcript NM_001018113.3 (MANE Select); coding-DNA position 2249, G replaced by T.
Protein change: p.Gly750Val; replaces glycine 750 with valine.
Molecular consequence: missense variant.
Genome position (GRCh38, 1-based): chrX:14,843,898, C>A on the plus strand (G>T on the coding strand, the complement: FANCB is on the minus strand). VCF-style: chrX-14843898-C-A. GRCh37 (hg19) VCF-style: chrX-14862020-C-A.
Other names: c.2249G>T, p.Gly750Val (NM_001324162.2, NM_152633.4); short protein forms G750V.
Identifiers: ClinVar variation 691315 (VCV000691315.2), dbSNP rs1601976539, ClinGen allele CA412437832.

ClinVar aggregate classification (germline): Uncertain significance (0 of 4 stars; one submission).

Submission:

Leiden Open Variation Database
Classification: Uncertain significance. Last evaluated: 2020-02-28. Review status: no assertion criteria provided. Collection method: curation. Allele origin: germline. Affected: yes.
Comment: Curator: Arleen D. Auerbach. Submitter to LOVD: Arleen D. Auerbach. Comment: Variant observed de novo.